The following is an entry in ClinVar:

NC_000011.10:g.47347434del

Gene: MYBPC3 (myosin binding protein C3; minus strand). Cytogenetic location: 11p11.2.
Variant type: Deletion.
Genome position: GRCh38 VCF-style: chr11-47347433-TC-T. GRCh37 (hg19) VCF-style: chr11-47368984-TC-T.
Other names: c.897del, p.Lys301fs (LRG_386t1).
Identifiers: ClinVar variation 522221 (VCV000522221.8), dbSNP rs1555122928, ClinGen allele CA658797643.
Genomic context (GRCh38, chr11:47,347,433, plus strand): 5'-GATTTGGAGCCAGGCCTCACCAGCTGCCCCAGGAACTGCCACCCAGGACTCACCTCTTTT[TC>T]AGCAGTGAGCTGAAGTCCAGAATCCCAGTGTCCTCATGGCTATCACTATGGAGAGGGACC-3'

ClinVar aggregate classification (germline): Pathogenic/Likely pathogenic. Review status: criteria provided, multiple submitters, no conflicts (2 of 4 stars). 4 submissions from 4 submitters: Pathogenic (3); Likely pathogenic (1). Last evaluated 2024-04-08.

Conditions:
Hypertrophic cardiomyopathy. Also called: HYPERTROPHIC MYOCARDIOPATHY. Identifiers: Orphanet 217569, MedGen C0007194, MeSH D002312, MONDO:0005045, HP:0001639.
Cardiomyopathy (CMYO). Also called: Cardiomyopathies. Identifiers: Orphanet 167848, MedGen C0878544, MONDO:0004994, HP:0001638. Inheritance: Various modes of inheritance.
Hypertrophic cardiomyopathy 4. Also called: Familial hypertrophic cardiomyopathy 4. Identifiers: MedGen C1861862, MONDO:0007268, OMIM 115197.

Submissions (4):

Color Diagnostics, LLC DBA Color Health
Classification: Pathogenic for Cardiomyopathy. Last evaluated: 2024-04-08. Review status: criteria provided, single submitter. Criteria: ACMG Guidelines, 2015. Collection method: clinical testing. Allele origin: germline.
Comment: This variant deletes 1 nucleotide in exon 9 of the MYBPC3 gene, creating a frameshift and premature translation stop signal. This variant is expected to result in an absent or non-functional protein product. This variant has been reported in over ten individuals affected with hypertrophic cardiomyopathy (PMID: 22115648, 30847666, 32841044, 33495596). This variant has not been identified in the general population by the Genome Aggregation Database (gnomAD). Loss of MYBPC3 function is a known mechanism of disease. Based on the available evidence, this variant is classified as Pathogenic.

All of Us Research Program, National Institutes of Health
Classification: Pathogenic for Hypertrophic cardiomyopathy. Last evaluated: 2024-03-05. Review status: criteria provided, single submitter. Criteria: ACMG Guidelines, 2015. Collection method: clinical testing. Allele origin: germline. Inheritance: Autosomal dominant inheritance. Observed: 1 variant allele, 1 heterozygote.
Comment: The c.897del (p.Lys301Argfs*49) variant in the MYBPC3 gene is located in exon 9, and is predicted to introduce a frameshift and premature translation stop codon. It is predicted to result in an absent or non-functional MYBPC3 protein.This variant has been reported in individuals with hypertrophic cardiomyopathy (PMID:22115648, 20021930). Other loss-of-function variants in this exon have been classified as pathogenic/likely pathogenic in ClinVar (IDs:1764101,181112,1384488). Loss-of-function variants in MYBPC3 gene are known to be pathogenic (PMID: 19574547). ClinVar contains an entry for this variant (ID: 522221). This variant is absent in the general population (gnomAD). Based on this evidence, the c.897del (p.Lys301Argfs*49) variant in the MYBPC3 gene is classified as pathogenic.

This study involves interpretation of variants in research participants for the purpose of population health screening. Participant phenotype was not available at the time of variant classification. Additional details can be found in publication PMID: 35346344, PMCID: PMC8962531

Victorian Clinical Genetics Services, Murdoch Childrens Research Institute
Classification: Pathogenic for Hypertrophic cardiomyopathy 4. Last evaluated: 2021-05-06. Review status: criteria provided, single submitter. Criteria: ACMG Guidelines, 2015. Collection method: clinical testing. Allele origin: germline.
Comment: Based on the classification scheme VCGS_Germline_v1.3.4, this variant is classified as Pathogenic. Following criteria are met: 0102 - Loss of function is a known mechanism of disease in this gene and is associated with hypertrophic cardiomyopathy 4 (MIM#115197). (I) 0108 - This gene is associated with both recessive and dominant disease. Heterozygous variants are frequently reported in adult onset conditions, however recessive inheritance results in a more severe early onset phenotype (OMIM). (I) 0201 - Variant is predicted to cause nonsense-mediated decay (NMD) and loss of protein (premature termination codon is located at least 54 nucleotides upstream of the final exon-exon junction). (SP) 0251 - This variant is heterozygous. (I) 0301 - Variant is absent from gnomAD (both v2 and v3). (SP) 0701 - Other NMD-predicted variants comparable to the one identified in this case have very strong previous evidence for pathogenicity. These variants have been reported many times as pathogenic, and have been observed in multiple individuals with hypertrophic cardiomyopathy (HCM) (Decipher). (SP) 0801 - This variant has strong previous evidence of pathogenicity in unrelated individuals. This variant has been reported as likely pathogenic and pathogenic, and observed in multiple individuals with HCM (ClinVar, LOVD, PMID: 30847666, PMID: 23711808, PMID: 24865491, PMID: 22115648). (SP) 1208 - Inheritance information for this variant is not currently available in this individual. (I) Legend: (SP) - Supporting pathogenic, (I) - Information, (SB) - Supporting benign

CHEO Genetics Diagnostic Laboratory, Children's Hospital of Eastern Ontario
Classification: Likely pathogenic for Cardiomyopathy. Last evaluated: 2015-07-20. Review status: criteria provided, single submitter. Criteria: ACMG Guidelines, 2015. Collection method: clinical testing. Allele origin: germline. Study: Canadian Open Genetics Repository.

Literature cited by the submitters: PubMed 22115648 (cited by 3 submitters); PubMed 30847666 (cited by Color Diagnostics, LLC DBA Color Health and Victorian Clinical Genetics Services, Murdoch Childrens Research Institute); PubMed 32841044 (cited by Color Diagnostics, LLC DBA Color Health); PubMed 33495596 (cited by Color Diagnostics, LLC DBA Color Health); PubMed 19574547 (cited by All of Us Research Program, National Institutes of Health); PubMed 20021930 (cited by All of Us Research Program, National Institutes of Health); PubMed 23711808 (cited by Victorian Clinical Genetics Services, Murdoch Childrens Research Institute); PubMed 24865491 (cited by Victorian Clinical Genetics Services, Murdoch Childrens Research Institute).